The following is an entry in ClinVar:

ClinVar aggregate classification (germline): Uncertain significance. Review status: criteria provided, multiple submitters, no conflicts (2 of 4 stars). 2 submissions from 2 submitters: Uncertain significance (2). Last evaluated 2026-08-03.

Conditions:
PCNT-related disorder. Also called: PCNT-related condition.

Allele frequency attached by ClinVar (database versions not stated): TOPMed 0.00005; ExAC 0.00009; gnomAD 0.00012; 1000 Genomes Project 0.00020; 1000 Genomes Project 30x 0.00031.
gnomAD v4.1: 80 of 1,610,294 alleles (0.005%); highest among the groups gnomAD compares: East Asian, 0.062%; no homozygotes.

Submissions (2):

PreventionGenetics, part of Exact Sciences
Classification: Uncertain significance for PCNT-related condition. Last evaluated: 2026-08-03. Review status: criteria provided, single submitter. Criteria: ACMG Guidelines, 2015. Collection method: clinical testing. Allele origin: germline.
Comment: The PCNT c.8960G>A variant is predicted to result in the amino acid substitution p.Arg2987Gln. This variant has been reported along with a second variant in a fetus with maternal uniparental disomy of chromosome 16, a short femur, and left superior vena cava (Liu et al 2019. PubMed ID: 31566912). This variant is reported in 0.067% of alleles in individuals of East Asian descent in gnomAD. At this time, the clinical significance of this variant is uncertain due to the absence of conclusive functional and genetic evidence.

Labcorp Genetics (formerly Invitae), Labcorp
Classification: Uncertain significance. Last evaluated: 2024-11-29. Review status: criteria provided, single submitter. Criteria: Invitae Variant Classification Sherloc (09022015). Collection method: clinical testing. Allele origin: germline.
Comment: This sequence change replaces arginine, which is basic and polar, with glutamine, which is neutral and polar, at codon 2987 of the PCNT protein (p.Arg2987Gln). This variant is present in population databases (rs539546451, gnomAD 0.06%). This missense change has been observed in individual(s) with PCNT-related conditions (PMID: 31566912). ClinVar contains an entry for this variant (Variation ID: 1917290). An algorithm developed to predict the effect of missense changes on protein structure and function (PolyPhen-2) suggests that this variant is likely to be tolerated. In summary, the available evidence is currently insufficient to determine the role of this variant in disease. Therefore, it has been classified as a Variant of Uncertain Significance.

Literature cited by the submitters: PubMed 31566912 (cited by Labcorp Genetics (formerly Invitae), Labcorp).

NM_006031.6(PCNT):c.8960G>A (p.Arg2987Gln)

Gene: PCNT (pericentrin; plus strand). Cytogenetic location: 21q22.3.
Variant type: single nucleotide variant.
Coding change: c.8960G>A on transcript NM_006031.6 (MANE Select); coding-DNA position 8960, G replaced by A.
Protein change: p.Arg2987Gln; replaces arginine 2987 with glutamine.
Molecular consequence: missense variant.
Genome position (GRCh38, 1-based): chr21:46,436,112, G>A. VCF-style: chr21-46436112-G-A. GRCh37 (hg19) VCF-style: chr21-47856025-G-A.
Other names: c.8960G>A (NM_006031.5); c.8369G>A, p.Arg2790Gln (NM_001315529.2); short protein forms R2790Q, R2987Q.
Identifiers: ClinVar variation 1917290 (VCV001917290.6), dbSNP rs539546451, ClinGen allele CA10081137.